The following is an entry in ClinVar:

ClinVar aggregate classification (germline): Uncertain significance. Review status: criteria provided, multiple submitters, no conflicts (2 of 4 stars). 2 submissions from 2 submitters: Uncertain significance (2). Last evaluated 2025-10-07.

Conditions:
Inborn genetic diseases. Identifiers: MedGen C0950123, MeSH D030342.

Allele frequency attached by ClinVar (database versions not stated): gnomAD 0.00001; ExAC 0.00002; 1000 Genomes Project 0.00020; 1000 Genomes Project 30x 0.00031.
gnomAD v4.1: 12 of 1,614,110 alleles (0.00074%); highest among the groups gnomAD compares: Middle Eastern, 0.033%; no homozygotes.

Submissions (2):

Ambry Genetics
Classification: Uncertain significance for Inborn genetic diseases. Last evaluated: 2025-10-07. Review status: criteria provided, single submitter. Criteria: Ambry Variant Classification Scheme 2023. Collection method: clinical testing. Allele origin: germline.

Labcorp Genetics (formerly Invitae), Labcorp
Classification: Uncertain significance. Last evaluated: 2022-12-06. Review status: criteria provided, single submitter. Criteria: Invitae Variant Classification Sherloc (09022015). Collection method: clinical testing. Allele origin: germline.
Comment: Advanced modeling of protein sequence and biophysical properties (such as structural, functional, and spatial information, amino acid conservation, physicochemical variation, residue mobility, and thermodynamic stability) performed at Invitae indicates that this missense variant is not expected to disrupt FAM111A protein function. This sequence change replaces glycine, which is neutral and non-polar, with serine, which is neutral and polar, at codon 413 of the FAM111A protein (p.Gly413Ser). This variant is present in population databases (rs558264545, gnomAD 0.01%). This variant has not been reported in the literature in individuals affected with FAM111A-related conditions. In summary, the available evidence is currently insufficient to determine the role of this variant in disease. Therefore, it has been classified as a Variant of Uncertain Significance.

NM_001312909.2(FAM111A):c.1237G>A (p.Gly413Ser)

Gene: FAM111A (FAM111 trypsin like peptidase A; plus strand). Cytogenetic location: 11q12.1.
Variant type: single nucleotide variant.
Coding change: c.1237G>A on transcript NM_001312909.2 (MANE Select); coding-DNA position 1237, G replaced by A.
Protein change: p.Gly413Ser; replaces glycine 413 with serine.
Molecular consequence: missense variant.
Genome position (GRCh38, 1-based): chr11:59,152,905, G>A. VCF-style: chr11-59152905-G-A. GRCh37 (hg19) VCF-style: chr11-58920378-G-A.
Other names: c.1237G>A, p.Gly413Ser (NM_001374851.1, NM_001374852.1, NM_001142520.3 and 29 more transcripts); c.1237G>A (NM_001142520.1); short protein forms G413S.
Identifiers: ClinVar variation 1948143 (VCV001948143.8), dbSNP rs558264545, ClinGen allele CA6016729.